The following is an entry in ClinVar:

NM_003072.5(SMARCA4):c.162C>A (p.His54Gln)

Gene: SMARCA4 (SWI/SNF related BAF chromatin remodeling complex subunit ATPase 4; plus strand). Cytogenetic location: 19p13.2.
Variant type: single nucleotide variant.
Coding change: c.162C>A on transcript NM_003072.5 (MANE Select); coding-DNA position 162, C replaced by A.
Protein change: p.His54Gln; replaces histidine 54 with glutamine.
Molecular consequence: missense variant. On other transcripts: non-coding transcript variant (1).
Genome position (GRCh38, 1-based): chr19:10,984,313, C>A. VCF-style: chr19-10984313-C-A. GRCh37 (hg19) VCF-style: chr19-11094989-C-A.
Other names: c.162C>A, p.His54Gln (NM_001128844.3, NM_001128845.2, NM_001128846.2 and 5 more transcripts); short protein forms H54Q.
Identifiers: ClinVar variation 470251 (VCV000470251.16), dbSNP rs1330092211, ClinGen allele CA404054511.

ClinVar aggregate classification (germline): Uncertain significance. Review status: criteria provided, multiple submitters, no conflicts (2 of 4 stars). 3 submissions from 3 submitters: Uncertain significance (3). Last evaluated 2026-02-03.

Conditions:
Intellectual disability, autosomal dominant 16 (CSS4). Also called: COFFIN-SIRIS SYNDROME 4. Identifiers: Orphanet 1465, MedGen C3553249, MONDO:0013821, OMIM 614609.
Rhabdoid tumor predisposition syndrome 2 (RTPS2). Identifiers: Orphanet 231108, Orphanet 69077, MedGen C2750074, MONDO:0013224, OMIM 613325.
Hereditary cancer-predisposing syndrome. Also called: Hereditary neoplastic syndrome; Neoplastic Syndromes, Hereditary; Tumor predisposition; Hereditary Cancer Syndrome. Identifiers: Orphanet 140162, MedGen C0027672, MeSH D009386, MONDO:0015356.

gnomAD v4.1: 2 of 1,606,294 alleles (0.00012%); highest among the groups gnomAD compares: Non-Finnish European, 0.00017%; no homozygotes.

Submissions (3):

Labcorp Genetics (formerly Invitae), Labcorp
Classification: Uncertain significance for Rhabdoid tumor predisposition syndrome 2. Last evaluated: 2026-02-03. Review status: criteria provided, single submitter. Criteria: Invitae Variant Classification Sherloc (09022015). Collection method: clinical testing. Allele origin: germline.
Comment: This sequence change replaces histidine, which is basic and polar, with glutamine, which is neutral and polar, at codon 54 of the SMARCA4 protein (p.His54Gln). This variant is not present in population databases (gnomAD no frequency). This variant has not been reported in the literature in individuals affected with SMARCA4-related conditions. ClinVar contains an entry for this variant (Variation ID: 470251). Invitae Evidence Modeling of protein sequence and biophysical properties (such as structural, functional, and spatial information, amino acid conservation, physicochemical variation, residue mobility, and thermodynamic stability) indicates that this missense variant is not expected to disrupt SMARCA4 protein function with a negative predictive value of 95%. In summary, the available evidence is currently insufficient to determine the role of this variant in disease. Therefore, it has been classified as a Variant of Uncertain Significance.

Ambry Genetics
Classification: Uncertain significance for Hereditary cancer-predisposing syndrome. Last evaluated: 2025-05-06. Review status: criteria provided, single submitter. Criteria: Ambry Variant Classification Scheme 2023. Collection method: clinical testing. Allele origin: germline.
Comment: The p.H54Q variant (also known as c.162C>A), located in coding exon 1 of the SMARCA4 gene, results from a C to A substitution at nucleotide position 162. The histidine at codon 54 is replaced by glutamine, an amino acid with highly similar properties. This amino acid position is highly conserved in available vertebrate species. In addition, the in silico prediction for this alteration is inconclusive. This variant was detected as heterozygous in individual(s) with no reported features of Coffin-Siris syndrome (Ambry internal data). Based on the supporting evidence, the association of this alteration with rhabdoid tumor predisposition syndrome is unknown; however, the association of this alteration with Coffin-Siris syndrome is unlikely.

Genome-Nilou Lab
Classification: Uncertain significance for Intellectual disability, autosomal dominant 16. Last evaluated: 2021-07-15. Review status: criteria provided, single submitter. Criteria: ACMG Guidelines, 2015. Collection method: clinical testing. Allele origin: germline. Affected: no.